The following is an entry in ClinVar:

ClinVar aggregate classification (germline): Conflicting classifications of pathogenicity. Review status: criteria provided, conflicting classifications (1 of 4 stars). 3 submissions from 3 submitters: Likely pathogenic (1); Uncertain significance (1). 1 of the submissions does not count toward it. Last evaluated 2019-04-12.

Conditions:
HYPER-IgE SYNDROME 7, AUTOSOMAL RECESSIVE (HIES7). Identifiers: MedGen CN382683, OMIM 621760.
Increased circulating IgE concentration. Also called: Ige, elevated level of; Increased IgE level. Identifiers: MedGen C0236175, HP:0003212.
Food allergy. Identifiers: MedGen C4554344, MONDO:0700226, HP:0500093.
Lymphadenopathy. Identifiers: MedGen C0497156, HP:0002716.
Atopic eczema. Identifiers: MedGen C0011615, MONDO:0004980, HP:0001047.
Spongiosis. Identifiers: MedGen C0702120, HP:6001166.
Eosinophilic gastroenteritis. Also called: Gastrointestinal eosinophilia; Eosinophilic Gastroenteropathy; Eosinophilic enteropathy; Eosinophilic enteritis. Identifiers: Orphanet 2070, MedGen C1262481, MONDO:0016129, HP:0032064.
Failure to thrive. Also called: Pediatric failure to thrive. Identifiers: MedGen C2315100, HP:0001508.
Increased total eosinophil count. Also called: Eosinophilia. Identifiers: MedGen C0014457, HP:0001880.
Epidermal acanthosis. Identifiers: MedGen C0221270, HP:0025092.
Animal dander allergy. Identifiers: MedGen C0700360, HP:0410321.
Otitis media. Identifiers: MedGen C0029882, MONDO:0005441, HP:0000388.
Recurrent respiratory infections. Identifiers: MedGen C3806482, HP:0002205.

Submissions (3):

GeneDx
Classification: Uncertain significance. Last evaluated: 2019-04-12. Review status: criteria provided, single submitter. Criteria: GeneDx Variant Classification Process June 2021. Collection method: clinical testing. Allele origin: germline. Affected: yes.
Comment: Not observed in large population cohorts (Lek et al., 2016); In silico analysis, which includes protein predictors and evolutionary conservation, supports a deleterious effect; Has not been previously published as pathogenic or benign to our knowledge

Turvey Lab, BC Children's Hospital Research Institute
Classification: Likely pathogenic for Atopic eczema; Increased circulating IgE concentration; Increased total eosinophil count; Food allergy; Animal dander allergy; Eosinophilic gastroenteritis; Failure to thrive; Lymphadenopathy; Recurrent respiratory infections; Otitis media; Spongiosis; Epidermal acanthosis. Review status: criteria provided, single submitter. Criteria: ACMG Guidelines, 2015. Collection method: research, in vitro. Allele origin: germline, not applicable. Affected: yes. Observed: 1 variant allele. Functional consequence: loss of function, cellular mislocalization.
Comment: The OSMR c.1046C>A (p.Ala349Asp) variant is a missense change affecting a residue within the extracellular fibronectin III domain of OSMRβ, a member of the IL-6 superfamily that mediates signalling through both the OSM type II receptor and the IL-31 receptor. The affected residue is evolutionarily conserved. This variant has been identified in one proband with severe early-onset atopic dermatitis, peripheral eosinophilia, and elevated serum IgE, in whom it was found compound heterozygous in trans with OSMR c.1307T>A (p.Val436Asp), a variant concurrently classified as Pathogenic (Samra et al., JHI 2026; DOI 10.70962/jhi.20260067) (PM3). Functional studies demonstrated that the p.Ala349Asp variant leads to significantly reduced OSMRβ cell surface expression in HEK293 cells compared to wildtype, and markedly impaired OSM-mediated activation of STAT1, STAT3, and STAT5 in patient-derived dermal fibroblasts (PS3). This variant is absent from the Genome Aggregation Database (gnomAD), indicating it is not a common polymorphism (PM2). In silico prediction tools including CADD, SIFT, and PolyPhen-2 predict this variant to be damaging (PP3). In summary, this variant is classified as Likely Pathogenic based on the following ACMG/AMP criteria: PS3 (Strong), PM2 (Moderate), PM3 (Moderate), PP3 (Supporting), meeting rule (ii) for Likely Pathogenic classification (1 Strong + 1–2 Moderate).

OMIM
Classification: Pathogenic for HYPER-IgE SYNDROME 7, AUTOSOMAL RECESSIVE. Last evaluated: 2026-11-25. Review status: no assertion criteria provided. Collection method: literature only. Allele origin: germline. Not counted in ClinVar's aggregate classification.

Literature cited by the submitters: PubMed 42221229 (cited by OMIM).

NM_003999.3(OSMR):c.1046C>A (p.Ala349Asp)

Gene: OSMR (oncostatin M receptor; plus strand). Cytogenetic location: 5p13.1.
Variant type: single nucleotide variant.
Coding change: c.1046C>A on transcript NM_003999.3 (MANE Select); coding-DNA position 1046, C replaced by A.
Protein change: p.Ala349Asp; replaces alanine 349 with aspartic acid.
Molecular consequence: missense variant.
Genome position (GRCh38, 1-based): chr5:38,903,936, C>A. VCF-style: chr5-38903936-C-A. GRCh37 (hg19) VCF-style: chr5-38904038-C-A.
Other names: c.1046C>A, p.Ala349Asp (NM_001323505.2, NM_001323506.2, NM_001323507.2); short protein forms A349D.
Identifiers: ClinVar variation 1308619 (VCV001308619.4), dbSNP rs2112540467, ClinGen allele CA359552514.